The following is an entry in ClinVar:

NM_000268.4(NF2):c.479G>T (p.Arg160Leu)

Gene: NF2 (NF2, moesin-ezrin-radixin like (MERLIN) tumor suppressor; plus strand). Cytogenetic location: 22q12.2.
Variant type: single nucleotide variant.
Coding change: c.479G>T on transcript NM_000268.4 (MANE Select); coding-DNA position 479, G replaced by T.
Protein change: p.Arg160Leu; replaces arginine 160 with leucine.
Molecular consequence: missense variant. On other transcripts: non-coding transcript variant (1), intron variant (1).
Genome position (GRCh38, 1-based): chr22:29,654,688, G>T. VCF-style: chr22-29654688-G-T. GRCh37 (hg19) VCF-style: chr22-30050677-G-T.
Other names: c.479G>T, p.Arg160Leu (NM_016418.5, NM_181825.3, NM_181832.3); c.353G>T, p.Arg118Leu (NM_181828.3); c.356G>T, p.Arg119Leu (NM_181829.3); c.230G>T, p.Arg77Leu (NM_181830.3, NM_181831.3); c.447+12403G>T (NM_181833.3); short protein forms R118L, R119L, R160L, R77L.
Identifiers: ClinVar variation 1419834 (VCV001419834.8), dbSNP rs867595517, ClinGen allele CA411142178.

ClinVar aggregate classification (germline): Uncertain significance (1 of 4 stars; one submission).

Conditions:
Neurofibromatosis, type 2 (SWNV). Also called: BILATERAL ACOUSTIC NEUROFIBROMATOSIS; SCHWANNOMATOSIS, VESTIBULAR; NF2-Related Schwannomatosis. Identifiers: Orphanet 637, MedGen C0027832, MONDO:0007039, OMIM 101000. Disease mechanism: loss of function.

gnomAD v4.1: 1 of 1,613,936 alleles (0.000062%); highest among the groups gnomAD compares: Non-Finnish European, 0.000085%; no homozygotes.

Submission:

Labcorp Genetics (formerly Invitae), Labcorp
Classification: Uncertain significance for Neurofibromatosis, type 2. Last evaluated: 2021-06-18. Review status: criteria provided, single submitter. Criteria: Invitae Variant Classification Sherloc (09022015). Collection method: clinical testing. Allele origin: germline.
Comment: In summary, the available evidence is currently insufficient to determine the role of this variant in disease. Therefore, it has been classified as a Variant of Uncertain Significance. Algorithms developed to predict the effect of missense changes on protein structure and function output the following: SIFT: "Tolerated"; PolyPhen-2: "Benign"; Align-GVGD: "Class C0". The leucine amino acid residue is found in multiple mammalian species, suggesting that this missense change does not adversely affect protein function. These predictions have not been confirmed by published functional studies and their clinical significance is uncertain. This variant has not been reported in the literature in individuals with NF2-related conditions. This variant is not present in population databases (ExAC no frequency). This sequence change replaces arginine with leucine at codon 160 of the NF2 protein (p.Arg160Leu). The arginine residue is moderately conserved and there is a moderate physicochemical difference between arginine and leucine.